The following is an entry in ClinVar:

NM_007254.4(PNKP):c.331A>G (p.Thr111Ala)

Gene: PNKP (polynucleotide kinase 3'-phosphatase; minus strand). Cytogenetic location: 19q13.33.
Variant type: single nucleotide variant.
Coding change: c.331A>G on transcript NM_007254.4 (MANE Select); coding-DNA position 331, A replaced by G.
Protein change: p.Thr111Ala; replaces threonine 111 with alanine.
Molecular consequence: missense variant.
Genome position (GRCh38, 1-based): chr19:49,865,294, T>C on the plus strand (A>G on the coding strand, the complement: PNKP is on the minus strand). VCF-style: chr19-49865294-T-C. GRCh37 (hg19) VCF-style: chr19-50368551-T-C.
Other names: c.331A>G (NM_007254.3); short protein forms T111A.
Identifiers: ClinVar variation 999288 (VCV000999288.12), dbSNP rs1239561285, ClinGen allele CA406890260.

ClinVar aggregate classification (germline): Uncertain significance. Review status: criteria provided, multiple submitters, no conflicts (2 of 4 stars). 2 submissions from 2 submitters: Uncertain significance (2). Last evaluated 2023-09-23.

Conditions:
Inborn genetic diseases. Identifiers: MedGen C0950123, MeSH D030342.
Developmental and epileptic encephalopathy, 12 (DEE12). Identifiers: MedGen C3150988, MONDO:0013389, OMIM 613722.

Allele frequency attached by ClinVar (database versions not stated): gnomAD exomes 0.00001.
gnomAD v4.1: 9 of 1,614,216 alleles (0.00056%); highest among the groups gnomAD compares: Non-Finnish European, 0.00076%; no homozygotes.

Submissions (2):

Ambry Genetics
Classification: Uncertain significance for Inborn genetic diseases. Last evaluated: 2023-09-23. Review status: criteria provided, single submitter. Criteria: Ambry Variant Classification Scheme 2023. Collection method: clinical testing. Allele origin: germline.

Labcorp Genetics (formerly Invitae), Labcorp
Classification: Uncertain significance for Developmental and epileptic encephalopathy, 12. Last evaluated: 2020-01-18. Review status: criteria provided, single submitter. Criteria: Invitae Variant Classification Sherloc (09022015). Collection method: clinical testing. Allele origin: germline.
Comment: This variant is not present in population databases (ExAC no frequency). In summary, the available evidence is currently insufficient to determine the role of this variant in disease. Therefore, it has been classified as a Variant of Uncertain Significance. Algorithms developed to predict the effect of missense changes on protein structure and function output the following: SIFT: "Deleterious"; PolyPhen-2: "Benign"; Align-GVGD: "Class C0". The alanine amino acid residue is found in multiple mammalian species, suggesting that this missense change does not adversely affect protein function. These predictions have not been confirmed by published functional studies and their clinical significance is uncertain. This variant has not been reported in the literature in individuals with PNKP-related conditions. This sequence change replaces threonine with alanine at codon 111 of the PNKP protein (p.Thr111Ala). The threonine residue is moderately conserved and there is a small physicochemical difference between threonine and alanine.